The following is an entry in ClinVar:

ClinVar aggregate classification (germline): Uncertain significance (1 of 4 stars; one submission).

Submission:

Labcorp Genetics (formerly Invitae), Labcorp
Classification: Uncertain significance. Last evaluated: 2024-05-26. Review status: criteria provided, single submitter. Criteria: Invitae Variant Classification Sherloc (09022015). Collection method: clinical testing. Allele origin: germline.
Comment: This sequence change replaces serine, which is neutral and polar, with proline, which is neutral and non-polar, at codon 617 of the KRT3 protein (p.Ser617Pro). This variant is present in population databases (no rsID available, gnomAD 0.002%). This variant has not been reported in the literature in individuals affected with KRT3-related conditions. Advanced modeling of protein sequence and biophysical properties (such as structural, functional, and spatial information, amino acid conservation, physicochemical variation, residue mobility, and thermodynamic stability) performed at Invitae indicates that this missense variant is not expected to disrupt KRT3 protein function with a negative predictive value of 95%. In summary, the available evidence is currently insufficient to determine the role of this variant in disease. Therefore, it has been classified as a Variant of Uncertain Significance.

NM_057088.3(KRT3):c.1849T>C (p.Ser617Pro)

Gene: KRT3 (keratin 3; minus strand). Cytogenetic location: 12q13.13.
Variant type: single nucleotide variant.
Coding change: c.1849T>C on transcript NM_057088.3 (MANE Select); coding-DNA position 1849, T replaced by C.
Protein change: p.Ser617Pro; replaces serine 617 with proline.
Molecular consequence: missense variant.
Genome position (GRCh38, 1-based): chr12:52,790,080, A>G on the plus strand (T>C on the coding strand, the complement: KRT3 is on the minus strand). VCF-style: chr12-52790080-A-G. GRCh37 (hg19) VCF-style: chr12-53183864-A-G.
Other names: short protein forms S617P.
Identifiers: ClinVar variation 3636982 (VCV003636982.2).